The following is an entry in ClinVar:

ClinVar aggregate classification (germline): Uncertain significance (1 of 4 stars; one submission).

Submission:

Labcorp Genetics (formerly Invitae), Labcorp
Classification: Uncertain significance. Last evaluated: 2022-02-04. Review status: criteria provided, single submitter. Criteria: Invitae Variant Classification Sherloc (09022015). Collection method: clinical testing. Allele origin: germline.
Comment: In summary, the available evidence is currently insufficient to determine the role of this variant in disease. Therefore, it has been classified as a Variant of Uncertain Significance. Algorithms developed to predict the effect of missense changes on protein structure and function are either unavailable or do not agree on the potential impact of this missense change (SIFT: "Not Available"; PolyPhen-2: "Probably Damaging"; Align-GVGD: "Not Available"). This variant has not been reported in the literature in individuals affected with C9-related conditions. This variant is not present in population databases (gnomAD no frequency). This sequence change replaces cysteine, which is neutral and slightly polar, with serine, which is neutral and polar, at codon 88 of the C9 protein (p.Cys88Ser).

NM_001737.5(C9):c.262T>A (p.Cys88Ser)

Gene: C9 (complement C9; minus strand). Cytogenetic location: 5p13.1.
Variant type: single nucleotide variant.
Coding change: c.262T>A on transcript NM_001737.5 (MANE Select); coding-DNA position 262, T replaced by A.
Protein change: p.Cys88Ser; replaces cysteine 88 with serine.
Molecular consequence: missense variant.
Genome position (GRCh38, 1-based): chr5:39,341,622, A>T on the plus strand (T>A on the coding strand, the complement: C9 is on the minus strand). VCF-style: chr5-39341622-A-T. GRCh37 (hg19) VCF-style: chr5-39341724-A-T.
Other names: short protein forms C88S.
Identifiers: ClinVar variation 1520482 (VCV001520482.8), dbSNP rs2111954230, ClinGen allele CA359563526.
Genomic context (GRCh38, chr5:39,341,622, plus strand): 5'-TGCATTGAAAGTCATTTCCGCAGTCATCCTCAGCATCCTCACAGGGCTCTGTGGGCACAC[A>T]CTGTCGTCTGTCTCCCACAGCGTCGGTGCATCTTTTCCCATTAAATTGTCCAAAGACCTC-3'
Protein context (NP_001728.1, residues 78-98): CTDAVGDRRQ[Cys88Ser]VPTEPCEDAE